The following is an entry in ClinVar:

ClinVar aggregate classification (germline): Uncertain significance. Review status: criteria provided, single submitter (1 of 4 stars). 2 submissions from 2 submitters: Uncertain significance (1). 1 of the submissions does not count toward it. Last evaluated 2025-04-23.

Conditions:
RASopathy. Also called: rasopathies; Noonan spectrum disorder. Identifiers: Orphanet 536391, MedGen C5555857, MONDO:0021060.
SHOC2-related disorder. Also called: SHOC2-related condition.

Submissions (2):

Labcorp Genetics (formerly Invitae), Labcorp
Classification: Uncertain significance for RASopathy. Last evaluated: 2025-04-23. Review status: criteria provided, single submitter. Criteria: Invitae Variant Classification Sherloc (09022015). Collection method: clinical testing. Allele origin: germline.
Comment: This sequence change replaces asparagine, which is neutral and polar, with lysine, which is basic and polar, at codon 550 of the SHOC2 protein (p.Asn550Lys). This variant is not present in population databases (gnomAD no frequency). This variant has not been reported in the literature in individuals affected with SHOC2-related conditions. ClinVar contains an entry for this variant (Variation ID: 2636303). Invitae Evidence Modeling of protein sequence and biophysical properties (such as structural, functional, and spatial information, amino acid conservation, physicochemical variation, residue mobility, and thermodynamic stability) indicates that this missense variant is not expected to disrupt SHOC2 protein function with a negative predictive value of 80%. In summary, the available evidence is currently insufficient to determine the role of this variant in disease. Therefore, it has been classified as a Variant of Uncertain Significance.

PreventionGenetics, part of Exact Sciences
Classification: Uncertain significance for SHOC2-related condition. Last evaluated: 2024-08-01. Review status: no assertion criteria provided. Collection method: clinical testing. Allele origin: germline. Not counted in ClinVar's aggregate classification.
Comment: The SHOC2 c.1650C>G variant is predicted to result in the amino acid substitution p.Asn550Lys. To our knowledge, this variant has not been reported in the literature or in a large population database, indicating this variant is rare. At this time, the clinical significance of this variant is uncertain due to the absence of conclusive functional and genetic evidence.

NM_007373.4(SHOC2):c.1650C>G (p.Asn550Lys)

Gene: SHOC2 (SHOC2 leucine rich repeat scaffold protein; plus strand). Cytogenetic location: 10q25.2.
Variant type: single nucleotide variant.
Coding change: c.1650C>G on transcript NM_007373.4 (MANE Select); coding-DNA position 1650, C replaced by G.
Protein change: p.Asn550Lys; replaces asparagine 550 with lysine.
Molecular consequence: missense variant. On other transcripts: non-coding transcript variant (1).
Genome position (GRCh38, 1-based): chr10:111,011,719, C>G. VCF-style: chr10-111011719-C-G. GRCh37 (hg19) VCF-style: chr10-112771477-C-G.
Other names: c.1512C>G, p.Asn504Lys (NM_001269039.3); c.1650C>G, p.Asn550Lys (NM_001324336.2, NM_001324337.2); short protein forms N504K, N550K.
Identifiers: ClinVar variation 2636303 (VCV002636303.3), dbSNP rs1417194283, ClinGen allele CA378526387.